The following is an entry in ClinVar:

ClinVar aggregate classification (germline): Uncertain significance (1 of 4 stars; one submission).

Conditions:
Myopathy, centronuclear, 2 (CNM2). Also called: MYOTUBULAR MYOPATHY, AUTOSOMAL RECESSIVE. Identifiers: Orphanet 169186, MedGen CN031787, MONDO:0009709, OMIM 255200.

Allele frequency attached by ClinVar (database versions not stated): ExAC 0.00002; gnomAD 0.00004 and 0.00005; TOPMed 0.00003; gnomAD exomes below 0.00001 and 0.00001.

Submission:

Labcorp Genetics (formerly Invitae), Labcorp
Classification: Uncertain significance for Myopathy, centronuclear, 2. Last evaluated: 2024-10-17. Review status: criteria provided, single submitter. Criteria: Invitae Variant Classification Sherloc (09022015). Collection method: clinical testing. Allele origin: germline.
Comment: This sequence change replaces glycine, which is neutral and non-polar, with serine, which is neutral and polar, at codon 509 of the BIN1 protein (p.Gly509Ser). This variant is present in population databases (rs745758782, gnomAD 0.007%). This variant has not been reported in the literature in individuals affected with BIN1-related conditions. ClinVar contains an entry for this variant (Variation ID: 959578). Invitae Evidence Modeling of protein sequence and biophysical properties (such as structural, functional, and spatial information, amino acid conservation, physicochemical variation, residue mobility, and thermodynamic stability) indicates that this missense variant is not expected to disrupt BIN1 protein function with a negative predictive value of 80%. In summary, the available evidence is currently insufficient to determine the role of this variant in disease. Therefore, it has been classified as a Variant of Uncertain Significance.

NM_139343.3(BIN1):c.1525G>A (p.Gly509Ser)

Gene: BIN1 (bridging integrator 1; minus strand). Cytogenetic location: 2q14.3.
Variant type: single nucleotide variant.
Coding change: c.1525G>A on transcript NM_139343.3 (MANE Select); coding-DNA position 1525, G replaced by A.
Protein change: p.Gly509Ser; replaces glycine 509 with serine.
Molecular consequence: missense variant.
Genome position (GRCh38, 1-based): chr2:127,050,849, C>T on the plus strand (G>A on the coding strand, the complement: BIN1 is on the minus strand). VCF-style: chr2-127050849-C-T. GRCh37 (hg19) VCF-style: chr2-127808425-C-T.
Other names: c.1018G>A, p.Gly340Ser (NM_001320632.2); c.1156G>A, p.Gly386Ser (NM_001320633.2); c.901G>A, p.Gly301Ser (NM_001320634.1); c.1285G>A, p.Gly429Ser (NM_001320640.2); c.1432G>A, p.Gly478Ser (NM_001320641.2); c.1444G>A, p.Gly482Ser (NM_001320642.1); c.1108G>A, p.Gly370Ser (NM_004305.4); c.1396G>A, p.Gly466Ser (NM_139344.3); and 7 more; short protein forms G340S, G355S, G422S, G434S, G466S, G301S, G325S, G478S.
Identifiers: ClinVar variation 959578 (VCV000959578.9), dbSNP rs745758782, ClinGen allele CA1857014.
Genomic context (GRCh38, chr2:127,050,849, plus strand): 5'-GCTGTGGGCTCACCTTGAACATGAAACCTGGGGGCAGGTCCAAGCGCCCGGCCCCACTGC[C>T]GCCCTCCACGGTGCCATTCACAGTTGCTGGGAAGGTCTCCACCACGACAGCAGGAAGAGA-3'
Protein context (NP_647593.1, residues 499-519): PATVNGTVEG[Gly509Ser]SGAGRLDLPP